The following is an entry in ClinVar:

NM_001267550.2(TTN):c.104420G>A (p.Arg34807Lys)

Genes: TTN-AS1 (TTN antisense RNA 1; plus strand), TTN (titin; minus strand). Cytogenetic location: 2q31.2.
Variant type: single nucleotide variant.
Coding change: c.104420G>A on transcript NM_001267550.2 (MANE Select); coding-DNA position 104420, G replaced by A.
Protein change: p.Arg34807Lys; replaces arginine 34807 with lysine.
Molecular consequence: missense variant.
Genome position (GRCh38, 1-based): chr2:178,532,195, C>T on the plus strand (G>A on the coding strand, the complement: TTN is on the minus strand). VCF-style: chr2-178532195-C-T. GRCh37 (hg19) VCF-style: chr2-179396922-C-T.
Other names: c.99497G>A, p.Arg33166Lys (NM_001256850.1); c.77225G>A, p.Arg25742Lys (NM_003319.4); c.96716G>A, p.Arg32239Lys (NM_133378.4); c.77600G>A, p.Arg25867Lys (NM_133432.3); c.77801G>A, p.Arg25934Lys (NM_133437.4); short protein forms R25742K, R25867K, R25934K, R32239K, R33166K, R34807K.
Identifiers: ClinVar variation 1006463 (VCV001006463.7), dbSNP rs973111888, ClinGen allele CA349411773.

ClinVar aggregate classification (germline): Uncertain significance (1 of 4 stars; one submission).

Conditions:
Dilated cardiomyopathy 1G (CMD1G). Identifiers: Orphanet 154, MedGen C1858763, MONDO:0011400, OMIM 604145.
Autosomal recessive limb-girdle muscular dystrophy type 2J (LGMDR10). Also called: Limb-girdle muscular dystrophy, type 2J; MUSCULAR DYSTROPHY, LIMB-GIRDLE, AUTOSOMAL RECESSIVE 10. Identifiers: Orphanet 140922, MedGen C1837342, MONDO:0012127, OMIM 608807.

gnomAD v4.1: 2 of 1,613,626 alleles (0.00012%); highest among the groups gnomAD compares: Non-Finnish European, 0.00017%; no homozygotes.

Submission:

Labcorp Genetics (formerly Invitae), Labcorp
Classification: Uncertain significance for Dilated cardiomyopathy 1G; Autosomal recessive limb-girdle muscular dystrophy type 2J. Last evaluated: 2020-11-19. Review status: criteria provided, single submitter. Criteria: Invitae Variant Classification Sherloc (09022015). Collection method: clinical testing. Allele origin: germline.
Comment: This sequence change replaces arginine with lysine at codon 34807 of the TTN protein (p.Arg34807Lys). There is a small physicochemical difference between arginine and lysine. This variant is not present in population databases (ExAC no frequency). This variant has not been reported in the literature in individuals with TTN-related conditions. This variant is located in the M band of TTN (PMID: 25589632). Variants in this region may be relevant for neuromuscular disorders, but have not been definitively shown to cause cardiomyopathy (PMID: 23975875). Algorithms developed to predict the effect of missense changes on protein structure and function are unavailable for the TTN gene. The lysine amino acid residue is found in multiple mammalian species, suggesting that this missense change does not adversely affect protein function. These predictions have not been confirmed by published functional studies and their clinical significance is uncertain. In summary, the available evidence is currently insufficient to determine the role of this variant in disease. Therefore, it has been classified as a Variant of Uncertain Significance.

Literature cited by the submitters: PubMed 25589632; PubMed 23975875.